The following is an entry in ClinVar:

NM_007294.4(BRCA1):c.2624C>G (p.Pro875Arg)

Gene: BRCA1 (BRCA1 DNA repair associated; minus strand). Cytogenetic location: 17q21.31.
Variant type: single nucleotide variant.
Coding change: c.2624C>G on transcript NM_007294.4 (MANE Select); coding-DNA position 2624, C replaced by G.
Protein change: p.Pro875Arg; replaces proline 875 with arginine.
Molecular consequence: missense variant. On other transcripts: intron variant (137).
Genome position (GRCh38, 1-based): chr17:43,092,907, G>C on the plus strand (C>G on the coding strand, the complement: BRCA1 is on the minus strand). VCF-style: chr17-43092907-G-C. GRCh37 (hg19) VCF-style: chr17-41244924-G-C.
Other names: c.784+1837C>G (NM_001408400.1, NM_001408392.1, NM_001407986.1 and 13 more transcripts); c.664+1837C>G (NM_001408441.1, NM_001408437.1, NM_001408429.1 and 12 more transcripts); c.787+1837C>G (NM_001407979.1, NM_001407977.1, NM_001407982.1 and 17 more transcripts); c.646+1837C>G (NM_001408410.1, NM_001408458.1, NM_001408469.1 and 11 more transcripts); c.709+1837C>G (NM_001408415.1, NM_001408412.1, NM_001408409.1 and 2 more transcripts); c.577+1837C>G (NM_001408483.1, NM_001408481.1, NM_001408480.1 and 9 more transcripts); c.2411C>G, p.Pro804Arg (NM_001407571.1, NM_001407853.1, NM_001407894.1 and 9 more transcripts); c.2624C>G, p.Pro875Arg (NM_001407581.1, NM_001407582.1, NM_001407583.1 and 30 more transcripts); and 41 more; short protein forms P828R, P875R, P579R, P748R, P804R, P808R, P834R, P874R.
Identifiers: ClinVar variation 964381 (VCV000964381.14), dbSNP rs867654871, ClinGen allele CA10596745.
Genomic context (GRCh38, chr17:43,092,907, plus strand): 5'-TGTTTCTTTAAGGACCCAGAGTGGGCAGAGAATGTTGCACATTCCTCTTCTGCATTTCCT[G>C]GATTTGAAAACGGAGCAAATGACTGGCGCTTTGAAACCTTGAATGTATTCTGCAAATACT-3'
Protein context (NP_009225.1, residues 865-885): KRQSFAPFSN[Pro875Arg]GNAEEECATF

ClinVar aggregate classification (germline): Conflicting classifications of pathogenicity. Review status: criteria provided, conflicting classifications (1 of 4 stars). 3 submissions from 3 submitters: Uncertain significance (2); Likely benign (1). Last evaluated 2025-11-02.

Conditions:
Hereditary cancer-predisposing syndrome. Also called: Tumor predisposition; Hereditary neoplastic syndrome; Hereditary Cancer Syndrome; Neoplastic Syndromes, Hereditary. Identifiers: Orphanet 140162, MedGen C0027672, MeSH D009386, MONDO:0015356.
Hereditary breast ovarian cancer syndrome. Also called: BRCA1- and BRCA2-Associated Hereditary Breast and Ovarian Cancer; Hereditary breast and ovarian cancer; Hereditary breast and/or ovarian cancer syndrome; Hereditary breast and ovarian cancer syndrome; Hereditary breast and ovarian cancer syndrome (HBOC); Breast and ovarian cancer. Identifiers: Orphanet 145, MedGen C0677776, MeSH D061325, MONDO:0003582. Disease mechanism: loss of function.

Allele frequency attached by ClinVar (database versions not stated): gnomAD exomes below 0.00001.
gnomAD v4.1: 1 of 1,613,802 alleles (0.000062%); highest among the groups gnomAD compares: Non-Finnish European, 0.000085%; no homozygotes.

Submissions (3):

Ambry Genetics
Classification: Uncertain significance for Hereditary cancer-predisposing syndrome. Last evaluated: 2025-11-02. Review status: criteria provided, single submitter. Criteria: Ambry Variant Classification Scheme 2023. Collection method: clinical testing. Allele origin: germline.
Comment: The p.P875R variant (also known as c.2624C>G), located in coding exon 9 of the BRCA1 gene, results from a C to G substitution at nucleotide position 2624. The proline at codon 875 is replaced by arginine, an amino acid with dissimilar properties. This amino acid position is conserved. In addition, the in silico prediction for this alteration is inconclusive. Based on the available evidence, the clinical significance of this variant remains unclear.

Labcorp Genetics (formerly Invitae), Labcorp
Classification: Uncertain significance for Hereditary breast ovarian cancer syndrome. Last evaluated: 2025-05-07. Review status: criteria provided, single submitter. Criteria: Invitae Variant Classification Sherloc (09022015). Collection method: clinical testing. Allele origin: germline.
Comment: This sequence change replaces proline, which is neutral and non-polar, with arginine, which is basic and polar, at codon 875 of the BRCA1 protein (p.Pro875Arg). This variant is not present in population databases (gnomAD no frequency). This variant has not been reported in the literature in individuals affected with BRCA1-related conditions. ClinVar contains an entry for this variant (Variation ID: 964381). Invitae Evidence Modeling of protein sequence and biophysical properties (such as structural, functional, and spatial information, amino acid conservation, physicochemical variation, residue mobility, and thermodynamic stability) indicates that this missense variant is not expected to disrupt BRCA1 protein function with a negative predictive value of 80%. In summary, the available evidence is currently insufficient to determine the role of this variant in disease. Therefore, it has been classified as a Variant of Uncertain Significance.

University of Washington Department of Laboratory Medicine, University of Washington
Classification: Likely benign for Hereditary cancer-predisposing syndrome. Last evaluated: 2023-03-23. Review status: criteria provided, single submitter. Criteria: Dines et al. (Genet Med. 2020). Collection method: curation. Allele origin: germline.
Comment: Missense variant in a coldspot region where missense variants are very unlikely to be pathogenic (PMID:31911673).

BRCA1 coldspot (exon 11 using historical exon numbering). Reclassification based on statistical prior probability